The following is an entry in ClinVar:

ClinVar aggregate classification (germline): Likely benign. Review status: criteria provided, multiple submitters, no conflicts (2 of 4 stars). 2 submissions from 2 submitters: Likely benign (2). Last evaluated 2025-07-23.

Conditions:
Focal segmental glomerulosclerosis 5 (FSGS5). Identifiers: Orphanet 656, MedGen C2750475, MONDO:0013191, OMIM 613237.
Charcot-Marie-Tooth disease dominant intermediate E. Also called: CHARCOT-MARIE-TOOTH NEUROPATHY WITH FOCAL SEGMENTAL GLOMERULONEPHRITIS. Identifiers: Orphanet 93114, MedGen C4302667, MONDO:0013758, OMIM 614455.

gnomAD v4.1: 2 of 1,590,224 alleles (0.00013%); highest among the groups gnomAD compares: East Asian, 0.0023%; no homozygotes.

Submissions (2):

Labcorp Genetics (formerly Invitae), Labcorp
Classification: Likely benign for Charcot-Marie-Tooth disease dominant intermediate E; Focal segmental glomerulosclerosis 5. Last evaluated: 2025-07-23. Review status: criteria provided, single submitter. Criteria: Invitae Variant Classification Sherloc (09022015). Collection method: clinical testing. Allele origin: germline.

Mayo Clinic Laboratories, Mayo Clinic
Classification: Likely benign. Last evaluated: 2024-12-24. Review status: criteria provided, single submitter. Criteria: ACMG Guidelines, 2015. Collection method: clinical testing. Allele origin: germline. Observed: 1 variant allele.
Comment: BP4, BP7

NM_022489.4(INF2):c.3162C>T (p.Thr1054=)

Gene: INF2 (inverted formin 2; plus strand). Cytogenetic location: 14q32.33.
Variant type: single nucleotide variant.
Coding change: c.3162C>T on transcript NM_022489.4 (MANE Select); coding-DNA position 3162, C replaced by T.
Protein change: p.Thr1054=; no amino-acid change (threonine 1054 retained).
Molecular consequence: synonymous variant. On other transcripts: non-coding transcript variant (1).
Genome position (GRCh38, 1-based): chr14:104,714,324, C>T. VCF-style: chr14-104714324-C-T. GRCh37 (hg19) VCF-style: chr14-105180661-C-T.
Other names: p.Thr1054=; c.3162C>T, p.Thr1054= (NM_001031714.4, NM_001426862.1, NM_001426863.1 and 2 more transcripts).
Identifiers: ClinVar variation 4683942 (VCV004683942.2).